The following is an entry in ClinVar:

NM_001371986.1(UNC80):c.1438G>A (p.Glu480Lys)

Gene: UNC80 (unc-80 homolog, NALCN channel complex subunit; plus strand). Cytogenetic location: 2q34.
Variant type: single nucleotide variant.
Coding change: c.1438G>A on transcript NM_001371986.1 (MANE Select); coding-DNA position 1438, G replaced by A.
Protein change: p.Glu480Lys; replaces glutamic acid 480 with lysine.
Molecular consequence: missense variant.
Genome position (GRCh38, 1-based): chr2:209,817,011, G>A. VCF-style: chr2-209817011-G-A. GRCh37 (hg19) VCF-style: chr2-210681735-G-A.
Other names: c.1438G>A, p.Glu480Lys (NM_032504.2, NM_182587.4); short protein forms E480K.
Identifiers: ClinVar variation 1465132 (VCV001465132.4), dbSNP rs1299781997, ClinGen allele CA350134606.

ClinVar aggregate classification (germline): Uncertain significance (1 of 4 stars; one submission).

Allele frequency attached by ClinVar (database versions not stated): gnomAD exomes below 0.00001 and 0.00001.
gnomAD v4.1: 3 of 1,551,654 alleles (0.00019%); highest among the groups gnomAD compares: East Asian, 0.0024%; no homozygotes.

Submission:

Labcorp Genetics (formerly Invitae), Labcorp
Classification: Uncertain significance. Last evaluated: 2022-09-01. Review status: criteria provided, single submitter. Criteria: Invitae Variant Classification Sherloc (09022015). Collection method: clinical testing. Allele origin: germline.
Comment: In summary, the available evidence is currently insufficient to determine the role of this variant in disease. Therefore, it has been classified as a Variant of Uncertain Significance. Algorithms developed to predict the effect of missense changes on protein structure and function are either unavailable or do not agree on the potential impact of this missense change (SIFT: "Not Available"; PolyPhen-2: "Possibly Damaging"; Align-GVGD: "Not Available"). ClinVar contains an entry for this variant (Variation ID: 1465132). This variant has not been reported in the literature in individuals affected with UNC80-related conditions. This variant is present in population databases (no rsID available, gnomAD 0.002%). This sequence change replaces glutamic acid, which is acidic and polar, with lysine, which is basic and polar, at codon 480 of the UNC80 protein (p.Glu480Lys).